The following is an entry in ClinVar:

ClinVar aggregate classification (germline): Uncertain significance (1 of 4 stars; one submission).

Conditions:
Leukocyte adhesion deficiency type II. Also called: CONGENITAL DISORDER OF GLYCOSYLATION, TYPE IIc; CDG IIc; Congenital disorder of glycosylation type 2C; CDG 2C; Leukocyte adhesion deficiency type 2; Rambam Hasharon syndrome. Identifiers: Orphanet 2968, Orphanet 99843, MedGen C0398739, MONDO:0009953, OMIM 266265.

Submission:

Labcorp Genetics (formerly Invitae), Labcorp
Classification: Uncertain significance for Leukocyte adhesion deficiency type II. Last evaluated: 2022-07-03. Review status: criteria provided, single submitter. Criteria: Invitae Variant Classification Sherloc (09022015). Collection method: clinical testing. Allele origin: germline.
Comment: In summary, the available evidence is currently insufficient to determine the role of this variant in disease. Therefore, it has been classified as a Variant of Uncertain Significance. Algorithms developed to predict the effect of missense changes on protein structure and function are either unavailable or do not agree on the potential impact of this missense change (SIFT: "Deleterious"; PolyPhen-2: "Benign"; Align-GVGD: "Class C0"). This variant has not been reported in the literature in individuals affected with SLC35C1-related conditions. This variant is not present in population databases (gnomAD no frequency). This sequence change replaces methionine, which is neutral and non-polar, with isoleucine, which is neutral and non-polar, at codon 14 of the SLC35C1 protein (p.Met14Ile).

NM_018389.5(SLC35C1):c.42G>A (p.Met14Ile)

Gene: SLC35C1 (solute carrier family 35 member C1; plus strand). Cytogenetic location: 11p11.2.
Variant type: single nucleotide variant.
Coding change: c.42G>A on transcript NM_018389.5 (MANE Select); coding-DNA position 42, G replaced by A.
Protein change: p.Met14Ile; replaces methionine 14 with isoleucine.
Molecular consequence: missense variant. On other transcripts: initiator codon variant (1).
Genome position (GRCh38, 1-based): chr11:45,805,843, G>A. VCF-style: chr11-45805843-G-A. GRCh37 (hg19) VCF-style: chr11-45827394-G-A.
Other names: c.3G>A, p.Met1Ile (NM_001145265.2, NM_001145266.2); short protein forms M1I, M14I.
Identifiers: ClinVar variation 2013391 (VCV002013391.5), dbSNP rs2494691533, ClinGen allele CA380202016.